The following is an entry in ClinVar:

ClinVar aggregate classification (germline): Uncertain significance (1 of 4 stars; one submission).

Conditions:
Diets-Jongmans syndrome. Also called: INTELLECTUAL DEVELOPMENTAL DISORDER WITH DISTINCTIVE FACIAL DYSMORPHISM. Identifiers: MedGen C5394263, MONDO:0030012, OMIM 618846.

gnomAD v4.1: 1 of 1,613,874 alleles (0.000062%); highest among the groups gnomAD compares: Non-Finnish European, 0.000085%; no homozygotes.

Submission:

Juno Genomics, Hangzhou Juno Genomics, Inc
Classification: Uncertain significance for Diets-Jongmans syndrome. Review status: criteria provided, single submitter. Criteria: ACMG Guidelines, 2015. Collection method: clinical testing. Allele origin: germline.
Comment: Missense variant in a gene that has a low rate of benign missense variation.;Multiple lines of computational evidence support a deleterious effect on the gene or gene product.;Absent from controls (or at extremely low frequency if recessive) in Genome Aggregation Database.

NM_016604.4(KDM3B):c.3343C>T (p.Arg1115Trp)

Gene: KDM3B (lysine demethylase 3B; plus strand). Cytogenetic location: 5q31.2.
Variant type: single nucleotide variant.
Coding change: c.3343C>T on transcript NM_016604.4 (MANE Select); coding-DNA position 3343, C replaced by T.
Protein change: p.Arg1115Trp; replaces arginine 1115 with tryptophan.
Molecular consequence: missense variant.
Genome position (GRCh38, 1-based): chr5:138,417,518, C>T. VCF-style: chr5-138417518-C-T. GRCh37 (hg19) VCF-style: chr5-137753207-C-T.
Other names: short protein forms R1115W.
Identifiers: ClinVar variation 5006839 (VCV005006839.2).